The following is an entry in ClinVar:

ClinVar aggregate classification (germline): Uncertain significance (1 of 4 stars; one submission).

Submission:

Women's Health and Genetics/Laboratory Corporation of America, LabCorp
Classification: Uncertain significance. Last evaluated: 2024-08-09. Review status: criteria provided, single submitter. Criteria: LabCorp Variant Classification Summary - May 2015. Collection method: clinical testing. Allele origin: germline.
Comment: Variant summary: The variant involves the duplication of exons 1-3 in the RFXAP gene. A presumed nomenclature of c.(?_-137)_(*1352_?)dup has been designated for the purposes of this classification. This duplication includes the entire coding sequence of the gene. As exact breakpoints are unknown, it may extend beyond the annotated region of the gene, to include other flanking genes. The variant was absent in 21694 control chromosomes. The available data on variant occurrences in the general population are insufficient to allow any conclusion about variant significance. To our knowledge, no occurrence of c.(?_-137)_(*1352_?)dup in individuals affected with RFXAP-related conditions and no experimental evidence demonstrating its impact on protein function have been reported. No submitters have cited clinical-significance assessments for this variant to ClinVar. Based on the evidence outlined above, the variant was classified as uncertain significance.

NC_000013.10:g.(?_37393358)_(37403242_?)dup

Gene: RFXAP (regulatory factor X associated protein; plus strand). Cytogenetic location: 13q13.3.
Variant type: Duplication.
Identifiers: ClinVar variation 3366342 (VCV003366342.1).